The following is an entry in ClinVar:

NM_001197104.2(KMT2A):c.6505+1G>A

Gene: KMT2A (lysine methyltransferase 2A; plus strand). Cytogenetic location: 11q23.3.
Variant type: single nucleotide variant.
Coding change: c.6505+1G>A on transcript NM_001197104.2 (MANE Select); the canonical splice donor site of the intron after coding-DNA position 6505, G replaced by A.
Molecular consequence: splice donor variant.
Genome position (GRCh38, 1-based): chr11:118,501,858, G>A. VCF-style: chr11-118501858-G-A. GRCh37 (hg19) VCF-style: chr11-118372573-G-A.
Other names: c.6595+1G>A (NM_001412597.1); c.6496+1G>A (NM_005933.4).
Identifiers: ClinVar variation 504052 (VCV000504052.2), dbSNP rs1555045834, ClinGen allele CA382802043.

ClinVar aggregate classification (germline): Likely pathogenic (1 of 4 stars; one submission).

Submission:

GeneDx
Classification: Likely pathogenic. Last evaluated: 2018-01-16. Review status: criteria provided, single submitter. Criteria: GeneDx Variant Classification (06012015). Collection method: clinical testing. Allele origin: germline. Affected: yes.
Comment: The c.6505+1G>A variant in the KMT2A gene has not been reported previously as a pathogenic variant nor as a benign variant, to our knowledge. This splice site variant destroys the canonical splice donor site in intron 26, which is predicted to cause abnormal gene splicing. The c.6505+1G>A variant is not observed in large population cohorts (Lek et al., 2016). We interpret c.6505+1G>A as a likely pathogenic variant.